The following is an entry in ClinVar:

NM_000059.4(BRCA2):c.4976_4977insG (p.Tyr1661fs)

Gene: BRCA2 (BRCA2 DNA repair associated; plus strand). Cytogenetic location: 13q13.1.
Variant type: Insertion.
Coding change: c.4976_4977insG on transcript NM_000059.4 (MANE Select); coding-DNA positions 4976 to 4977, G inserted.
Protein change: p.Tyr1661fs; shifts the reading frame from tyrosine 1661.
Molecular consequence: frameshift variant.
Genome position: GRCh38 VCF-style: chr13-32339331-C-CG. GRCh37 (hg19) VCF-style: chr13-32913468-C-CG.
Other names: 5204insG; short protein forms Y1661fs.
Identifiers: ClinVar variation 96813 (VCV000096813.11), dbSNP rs431825325, ClinGen allele CA021089.

ClinVar aggregate classification (germline): Pathogenic. Review status: criteria provided, multiple submitters, no conflicts (2 of 4 stars). 4 submissions from 4 submitters: Pathogenic (3). 1 of the submissions does not count toward it. Last evaluated 2025-05-15.

Conditions:
Hereditary cancer-predisposing syndrome. Also called: Hereditary Cancer Syndrome; Neoplastic Syndromes, Hereditary; Hereditary neoplastic syndrome; Tumor predisposition. Identifiers: Orphanet 140162, MedGen C0027672, MeSH D009386, MONDO:0015356.
Hereditary breast ovarian cancer syndrome. Also called: Breast and ovarian cancer; Hereditary breast and/or ovarian cancer syndrome; Hereditary breast and ovarian cancer; Hereditary breast and ovarian cancer syndrome; Hereditary breast and ovarian cancer syndrome (HBOC); BRCA1- and BRCA2-Associated Hereditary Breast and Ovarian Cancer. Identifiers: Orphanet 145, MedGen C0677776, MeSH D061325, MONDO:0003582. Disease mechanism: loss of function.
Breast-ovarian cancer, familial, susceptibility to, 2 (BROVCA2). Also called: BRCA2 Hereditary Breast and Ovarian Cancer. Identifiers: Orphanet 145, MedGen C2675520, MONDO:0012933, OMIM 612555. Disease mechanism: loss of function.

Submissions (4):

GeneKor MSA
Classification: Pathogenic for Hereditary breast ovarian cancer syndrome. Last evaluated: 2025-05-15. Review status: criteria provided, single submitter. Criteria: ACMG Guidelines, 2015. Collection method: clinical testing. Allele origin: germline. Affected: yes.
Comment: This variant is a single nucleotide insertion in exon 11 of the BRCA2 mRNA c.(4976_4977insG), causing a frameshift after codon 1661 and the creation of a novel translation stop signal 5 amino acid residues later p.(Tyr1661Leufs*5). This is expected to result in an absent or disrupted protein product. Loss-of-function variants in BRCA2 are known to be pathogenic (PMID:20104584). This variant is not present in population databases (rs431825325) . ClinVar contains entries for this variant where is listed as pathogenic (VCV000096813.9). Based on the classification criteria set by the ACMG and AMP (PMID:25741868), this variant has been classified as pathogenic.

Color Diagnostics, LLC DBA Color Health
Classification: Pathogenic for Hereditary cancer-predisposing syndrome. Last evaluated: 2024-05-31. Review status: criteria provided, single submitter. Criteria: ACMG Guidelines, 2015. Collection method: clinical testing. Allele origin: germline.
Comment: This variant inserts 1 nucleotide in exon 11 of the BRCA2 gene, creating a frameshift and premature translation stop signal. This variant is expected to result in an absent or non-functional protein product. To our knowledge, this variant has not been reported in individuals affected with hereditary cancer in the literature. This variant has not been identified in the general population by the Genome Aggregation Database (gnomAD). Loss of BRCA2 function is a known mechanism of disease. Based on the available evidence, this variant is classified as Pathogenic.

Labcorp Genetics (formerly Invitae), Labcorp
Classification: Pathogenic for Hereditary breast ovarian cancer syndrome. Last evaluated: 2022-01-01. Review status: criteria provided, single submitter. Criteria: Invitae Variant Classification Sherloc (09022015). Collection method: clinical testing. Allele origin: germline.
Comment: For these reasons, this variant has been classified as Pathogenic. ClinVar contains an entry for this variant (Variation ID: 96813). This variant has not been reported in the literature in individuals affected with BRCA2-related conditions. This variant is not present in population databases (gnomAD no frequency). This sequence change creates a premature translational stop signal (p.Tyr1661Leufs*5) in the BRCA2 gene. It is expected to result in an absent or disrupted protein product. Loss-of-function variants in BRCA2 are known to be pathogenic (PMID: 20104584).

Sharing Clinical Reports Project (SCRP)
Classification: Pathogenic for Breast-ovarian cancer, familial 2. Last evaluated: 2012-05-01. Review status: no assertion criteria provided. Collection method: clinical testing. Allele origin: germline. Not counted in ClinVar's aggregate classification.

Literature cited by the submitters: PubMed 20104584 (cited by GeneKor MSA and Labcorp Genetics (formerly Invitae), Labcorp).